The following is an entry in ClinVar:

NM_182961.4(SYNE1):c.19203A>T (p.Leu6401Phe)

Gene: SYNE1 (spectrin repeat containing nuclear envelope protein 1; minus strand). Cytogenetic location: 6q25.2.
Variant type: single nucleotide variant.
Coding change: c.19203A>T on transcript NM_182961.4 (MANE Select); coding-DNA position 19203, A replaced by T.
Protein change: p.Leu6401Phe; replaces leucine 6401 with phenylalanine.
Molecular consequence: missense variant.
Genome position (GRCh38, 1-based): chr6:152,255,648, T>A on the plus strand (A>T on the coding strand, the complement: SYNE1 is on the minus strand). VCF-style: chr6-152255648-T-A. GRCh37 (hg19) VCF-style: chr6-152576783-T-A.
Other names: c.18990A>T, p.Leu6330Phe (NM_033071.5); short protein forms L6330F, L6401F.
Identifiers: ClinVar variation 1523022 (VCV001523022.8), dbSNP rs966960053, ClinGen allele CA150202472.
Genomic context (GRCh38, chr6:152,255,648, plus strand): 5'-TACCTCTTGGTTGAAGAGACAAGTCTCTGTTTCTTCTGGTAAAAGTGCTGTGGCAACAAA[T>A]AAACGTTCTTCAACGTCATCCAACCAAGTAGAGGTGGCTGAGACTCCATCATACAACTTC-3'
Protein context (NP_892006.3, residues 6391-6411): STWLDDVEER[Leu6401Phe]FVATALLPEE

ClinVar aggregate classification (germline): Uncertain significance (1 of 4 stars; one submission).

Conditions:
Emery-Dreifuss muscular dystrophy 4, autosomal dominant (EDMD4). Also called: EMERY-DREIFUSS MUSCULAR DYSTROPHY 4 WITH VARIABLE FEATURES. Identifiers: Orphanet 261, MedGen C2751807, MONDO:0013071, OMIM 612998.
Autosomal recessive ataxia, Beauce type. Also called: Spinocerebellar ataxia, autosomal recessive 8; ATAXIA, RECESSIVE, OF BEAUCE; SYNE1 Deficiency; SYNE1-Related Autosomal Recessive Cerebellar Ataxia. Identifiers: Orphanet 88644, MedGen C1853116, MONDO:0012549, OMIM 610743.

Allele frequency attached by ClinVar (database versions not stated): TOPMed 0.00001.

Submission:

Labcorp Genetics (formerly Invitae), Labcorp
Classification: Uncertain significance for Emery-Dreifuss muscular dystrophy 4, autosomal dominant; Autosomal recessive ataxia, Beauce type. Last evaluated: 2023-08-24. Review status: criteria provided, single submitter. Criteria: Invitae Variant Classification Sherloc (09022015). Collection method: clinical testing. Allele origin: germline.
Comment: This variant is not present in population databases (gnomAD no frequency). This variant has not been reported in the literature in individuals affected with SYNE1-related conditions. ClinVar contains an entry for this variant (Variation ID: 1523022). An algorithm developed to predict the effect of missense changes on protein structure and function (PolyPhen-2) suggests that this variant is likely to be disruptive. In summary, the available evidence is currently insufficient to determine the role of this variant in disease. Therefore, it has been classified as a Variant of Uncertain Significance. This sequence change replaces leucine, which is neutral and non-polar, with phenylalanine, which is neutral and non-polar, at codon 6330 of the SYNE1 protein (p.Leu6330Phe).